The following is an entry in ClinVar:

NM_001365276.2(TNXB):c.12338_12341del (p.Ala4113fs)

Genes: TNXB (tenascin XB; minus strand), LOC106780803 (tenascin XB recombination region; plus strand). Cytogenetic location: 6p21.33.
Variant type: Microsatellite.
Coding change: c.12338_12341del on transcript NM_001365276.2 (MANE Select); coding-DNA positions 12338 to 12341, 4 bases deleted (CAGG; older notation c.12338_12341delCAGG).
Protein change: p.Ala4113fs; shifts the reading frame from alanine 4113.
Molecular consequence: frameshift variant.
Genome position (GRCh38, 1-based): chr6:32,042,140-32,042,143, CCTG deleted on the plus strand (CAGG on the coding strand, the reverse complement: TNXB is on the minus strand); deleting any 4 consecutive bases within chr6:32,042,140-32,042,147 gives the same sequence; the c. name uses the placement nearest the transcript's 3' end. VCF-style (leftmost placement, unchanged base first): chr6-32042139-ACCTG-A. GRCh37 (hg19) VCF-style: chr6-32009916-ACCTG-A.
Other names: c.13079_13082del, p.Ala4360fs (NM_001428335.1); c.12332_12335del, p.Ala4111fs (NM_019105.8); c.1625_1628del, p.Ala542fs (NM_032470.4); short protein forms A4111fs, A4113fs, A4360fs, A542fs.
Identifiers: ClinVar variation 4856037 (VCV004856037.1).
Genomic context (GRCh38, chr6:32,042,139, plus strand): 5'-GTCGTACTGGGCGAACACAGCCTCGTCCCCAGCCCGCAGGTCCACGCGCATGGAGTAGTC[ACCTG>A]CCTGTGTCAGGCTGTGCAGGGCCTCATTGCCTGGGGGTGGGATACGTGCCCTCATCAGGG-3'

ClinVar aggregate classification (germline): Likely pathogenic (1 of 4 stars; one submission).

Conditions:
Ehlers-Danlos syndrome due to tenascin-X deficiency (EDSCLL1). Also called: EDS DUE TO TNX DEFICIENCY; TNX DEFICIENCY; EHLERS-DANLOS SYNDROME, CLASSIC-LIKE; Ehlers-Danlos syndrome, classic-like, 1; TNXB-Related Classical-Like Ehlers-Danlos Syndrome. Identifiers: Orphanet 230839, MedGen C1848029, MONDO:0011670, OMIM 606408.

Submission:

3billion
Classification: Likely pathogenic for Ehlers-Danlos syndrome due to tenascin-X deficiency. Last evaluated: 2025-11-25. Review status: criteria provided, single submitter. Criteria: ACMG Guidelines, 2015. Collection method: clinical testing. Allele origin: germline. Affected: yes.
Comment: The variant is not observed in the gnomAD v4.1.0 dataset. Predicted Consequence/Location: Frameshift: predicted to result in a loss or disruption of normal protein function through nonsense-mediated decay (NMD) or protein truncation. Multiple pathogenic variants are reported downstream of the variant. Therefore, this variant is classified as Likely pathogenic according to the recommendation of ACMG/AMP guideline.